The following is an entry in ClinVar:

NM_001365999.1(SZT2):c.7322G>A (p.Arg2441Gln)

Gene: SZT2 (SZT2 subunit of KICSTOR complex; plus strand). Cytogenetic location: 1p34.2.
Variant type: single nucleotide variant.
Coding change: c.7322G>A on transcript NM_001365999.1 (MANE Select); coding-DNA position 7322, G replaced by A.
Protein change: p.Arg2441Gln; replaces arginine 2441 with glutamine.
Molecular consequence: missense variant.
Genome position (GRCh38, 1-based): chr1:43,440,564, G>A. VCF-style: chr1-43440564-G-A. GRCh37 (hg19) VCF-style: chr1-43906235-G-A.
Other names: c.7151G>A, p.Arg2384Gln (NM_015284.4); short protein forms R2384Q, R2441Q.
Identifiers: ClinVar variation 657814 (VCV000657814.10), dbSNP rs200753719, ClinGen allele CA21645860.

ClinVar aggregate classification (germline): Uncertain significance. Review status: criteria provided, multiple submitters, no conflicts (2 of 4 stars). 3 submissions from 3 submitters: Uncertain significance (3). Last evaluated 2023-10-23.

Conditions:
Inborn genetic diseases. Identifiers: MedGen C0950123, MeSH D030342.
Developmental and epileptic encephalopathy, 18 (DEE18). Also called: Early infantile epileptic encephalopathy 18. Identifiers: Orphanet 369894, MedGen C3809624, MONDO:0014201, OMIM 615476.

Allele frequency attached by ClinVar (database versions not stated): gnomAD 0.00003; gnomAD exomes 0.00004; TOPMed 0.00006; ESP Exome Variant Server 0.00008; 1000 Genomes Project 0.00020; 1000 Genomes Project 30x 0.00031.
gnomAD v4.1: 52 of 1,602,744 alleles (0.0032%); highest among the groups gnomAD compares: Admixed American, 0.0052%; no homozygotes.

Submissions (3):

Labcorp Genetics (formerly Invitae), Labcorp
Classification: Uncertain significance. Last evaluated: 2023-10-23. Review status: criteria provided, single submitter. Criteria: Invitae Variant Classification Sherloc (09022015). Collection method: clinical testing. Allele origin: germline.
Comment: This sequence change replaces arginine, which is basic and polar, with glutamine, which is neutral and polar, at codon 2384 of the SZT2 protein (p.Arg2384Gln). This variant is present in population databases (rs200753719, gnomAD 0.03%). This variant has not been reported in the literature in individuals affected with SZT2-related conditions. ClinVar contains an entry for this variant (Variation ID: 657814). Advanced modeling of protein sequence and biophysical properties (such as structural, functional, and spatial information, amino acid conservation, physicochemical variation, residue mobility, and thermodynamic stability) performed at Invitae indicates that this missense variant is expected to disrupt SZT2 protein function with a positive predictive value of 80%. In summary, the available evidence is currently insufficient to determine the role of this variant in disease. Therefore, it has been classified as a Variant of Uncertain Significance.

Genome-Nilou Lab
Classification: Uncertain significance for Developmental and epileptic encephalopathy, 18. Last evaluated: 2023-04-11. Review status: criteria provided, single submitter. Criteria: ACMG Guidelines, 2015. Collection method: clinical testing. Allele origin: germline. Affected: no.

Ambry Genetics
Classification: Uncertain significance for Inborn genetic diseases. Last evaluated: 2017-12-18. Review status: criteria provided, single submitter. Criteria: Ambry Variant Classification Scheme 2023. Collection method: clinical testing. Allele origin: germline.
Comment: The p.R2384Q variant (also known as c.7151G>A), located in coding exon 51 of the SZT2 gene, results from a G to A substitution at nucleotide position 7151. The arginine at codon 2384 is replaced by glutamine, an amino acid with highly similar properties. This amino acid position is highly conserved in available vertebrate species. In addition, the in silico prediction for this alteration is inconclusive. Since supporting evidence is limited at this time, the clinical significance of this alteration remains unclear.